The following is an entry in ClinVar:

NM_001388492.1(HTT):c.54GCA[23] (p.Gln38_Pro39insGlnGlnGlnGln)

Genes: HTT (huntingtin; plus strand), LOC109461479 (huntingtin repeat instability region; plus strand), LOC129929027 (ATAC-STARR-seq lymphoblastoid silent region 15199; plus strand). Cytogenetic location: 4p16.3.
Variant type: Microsatellite.
Coding change: c.54GCA[23] on transcript NM_001388492.1 (MANE Select); 23 copies in a row of the 3-base unit GCA starting at c.54.
Protein change: p.Gln38_Pro39insGlnGlnGlnGln.
Genome position: GRCh38 VCF-style: chr4-3074876-C-CCAGCAG. GRCh37 (hg19) VCF-style: chr4-3076603-C-CCAGCAG.
Other names: c.54GCA[23], p.Gln40_Pro41insGlnGln (NM_002111.8).
Identifiers: ClinVar variation 3910356 (VCV003910356.2).
Genomic context (GRCh38, chr4:3,074,876, plus strand): 5'-GGAGACCGCCATGGCGACCCTGGAAAAGCTGATGAAGGCCTTCGAGTCCCTCAAGTCCTT[C>CCAGCAG]CAGCAGCAGCAGCAGCAGCAGCAGCAGCAGCAGCAGCAGCAGCAGCAGCAGCAGCAGCAA-3'

ClinVar aggregate classification (germline): Benign/Likely benign. Review status: criteria provided, multiple submitters, no conflicts (2 of 4 stars). 2 submissions from 2 submitters: Benign (1); Likely benign (1). Last evaluated 2026-09-23.

Conditions:
Huntington disease (HD). Also called: Huntington's chorea; Huntington's disease; HUNTINGTON CHOREA. Identifiers: Orphanet 248111, Orphanet 399, MedGen C0020179, MONDO:0007739, OMIM 143100.

Submissions (2):

Department Of Human Genetics, Institute Of Clinical And Translational Research, Biomedical Research Center, Slovak Academy Of Sciences
Classification: Benign for Huntington disease. Last evaluated: 2026-09-23. Review status: criteria provided, single submitter. Criteria: ACMG Guidelines for Huntington disease, 2014. Collection method: research. Allele origin: germline. Inheritance: Autosomal dominant inheritance.
Comment: The NC_000004.12.g.3074878_3074940AGC[21]AAC[1]AGC[1] allele represents a complex trinucleotide repeat sequence in the HTT (huntingtin) gene. The repeat tract consists of 21 consecutive AGC repeats, followed by one AAC repeat and one additional AGC repeat. This sequence corresponds to 21 uninterrupted glutamine-encoding units or 23 interrupted glutamine-encoding repeat units (this count the AAC interruption and the additional AGC to the total number of repeats on the DNA level, while all resulting in glutamine residues at the protein level). Huntington disease (HD) is an autosomal dominant neurodegenerative disorder caused by an expansion of the CAG trinucleotide repeat in exon 1 of the HTT gene. HTT alleles containing 26 or fewer CAG repeats are considered within the normal range, whereas alleles containing 27–35 repeats are classified as intermediate/premutation, 36-39 repeats as reduced-penetrance pathogenic alleles, and 40 or more repeats as full-penetrance pathogenic alleles. This allele falls into the benign range both when considering the 21 uninterrupted as well as the 23 interrupted glutamine-encoding repeats. The allele reached 4.43% frequency in the general population of Slovakia (in 609 genotyped alleles).

Laboratory of Genetics, Children's Clinical University Hospital Latvia
Classification: Likely benign. Last evaluated: 2025-02-16. Review status: criteria provided, single submitter. Criteria: ACMG Guidelines, 2015. Collection method: clinical testing. Allele origin: germline. Affected: yes.